The following is an entry in ClinVar:

ClinVar aggregate classification (germline): Conflicting classifications of pathogenicity. Review status: criteria provided, conflicting classifications (1 of 4 stars). 5 submissions from 5 submitters: Uncertain significance (4); Likely benign (1). Last evaluated 2025-07-31.

Conditions:
Basal cell carcinoma, susceptibility to, 1. Also called: BCC1. Identifiers: MedGen C2751544, MONDO:0011556, OMIM 605462.
Basal cell nevus syndrome 1 (BCNS1). Also called: GORLIN-GOLTZ SYNDROME; MULTIPLE BASAL CELL NEVI, ODONTOGENIC KERATOCYSTS, AND SKELETAL ANOMALIES. Identifiers: MedGen CN376810, MONDO:0958174, OMIM 109400.
Holoprosencephaly 7 (HPE7). Identifiers: Orphanet 2162, MedGen C1835820, MONDO:0012562, OMIM 610828.
Hereditary cancer-predisposing syndrome. Also called: Tumor predisposition; Hereditary Cancer Syndrome; Neoplastic Syndromes, Hereditary; Hereditary neoplastic syndrome. Identifiers: Orphanet 140162, MedGen C0027672, MeSH D009386, MONDO:0015356.
Gorlin syndrome. Also called: Nevoid Basal Cell Carcinoma Syndrome; Basal cell nevus syndrome. Identifiers: Orphanet 377, MedGen C0004779, MONDO:0007187.

Allele frequency attached by ClinVar (database versions not stated): gnomAD exomes below 0.00001; gnomAD 0.00001.
gnomAD v4.1: 1 of 1,614,022 alleles (0.000062%); no homozygotes.

Submissions (5):

Ambry Genetics
Classification: Uncertain significance for Hereditary cancer-predisposing syndrome. Last evaluated: 2025-07-31. Review status: criteria provided, single submitter. Criteria: Ambry Variant Classification Scheme 2023. Collection method: clinical testing. Allele origin: germline.
Comment: The p.F376L variant (also known as c.1128C>G), located in coding exon 8 of the PTCH1 gene, results from a C to G substitution at nucleotide position 1128. The phenylalanine at codon 376 is replaced by leucine, an amino acid with highly similar properties. This alteration has been reported as a variant of unknown significance in an individual with early onset breast cancer from a cohort of 1191 cancer index patients who underwent clinical evaluation and testing with multigene panels (Chan GHJ et al. Oncotarget, 2018 Jul;9:30649-30660). This amino acid position is highly conserved in available vertebrate species. In addition, the in silico prediction for this alteration is inconclusive. Since supporting evidence is limited at this time, the clinical significance of this alteration remains unclear.

Quest Diagnostics Nichols Institute San Juan Capistrano
Classification: Uncertain significance. Last evaluated: 2025-04-23. Review status: criteria provided, single submitter. Criteria: Quest Diagnostics criteria. Collection method: clinical testing. Allele origin: unknown.
Comment: The PTCH1 c.1128C>G (p.Phe376Leu) variant has been reported in the published literature in an individual with breast cancer (PMID: 30093976 (2018)). The frequency of this variant in the general population (Genome Aggregation Database) is uninformative in the assessment of its pathogenicity. Analysis of this variant using bioinformatics tools for the prediction of the effect of amino acid changes on protein structure and function yielded conflicting predictions that this variant is deleterious or benign. Based on the available information, we are unable to determine the clinical significance of this variant.

Labcorp Genetics (formerly Invitae), Labcorp
Classification: Likely benign for Gorlin syndrome. Last evaluated: 2024-08-18. Review status: criteria provided, single submitter. Criteria: Invitae Variant Classification Sherloc (09022015). Collection method: clinical testing. Allele origin: germline.

Baylor Genetics
Classification: Uncertain significance for Basal cell carcinoma, susceptibility to, 1. Last evaluated: 2024-03-14. Review status: criteria provided, single submitter. Criteria: ACMG Guidelines, 2015. Collection method: clinical testing. Allele origin: unknown.

Fulgent Genetics
Classification: Uncertain significance for Basal cell nevus syndrome 1; Basal cell carcinoma, susceptibility to, 1; Holoprosencephaly 7. Last evaluated: 2024-01-03. Review status: criteria provided, single submitter. Criteria: ACMG Guidelines, 2015. Collection method: clinical testing. Allele origin: germline.

Literature cited by the submitters: PubMed 30093976 (cited by Ambry Genetics and Quest Diagnostics Nichols Institute San Juan Capistrano).

NM_000264.5(PTCH1):c.1128C>G (p.Phe376Leu)

Gene: PTCH1 (patched 1; minus strand). Cytogenetic location: 9q22.32.
Variant type: single nucleotide variant.
Coding change: c.1128C>G on transcript NM_000264.5 (MANE Select); coding-DNA position 1128, C replaced by G.
Protein change: p.Phe376Leu; replaces phenylalanine 376 with leucine.
Molecular consequence: missense variant. On other transcripts: non-coding transcript variant (1).
Genome position (GRCh38, 1-based): chr9:95,479,087, G>C on the plus strand (C>G on the coding strand, the complement: PTCH1 is on the minus strand). VCF-style: chr9-95479087-G-C. GRCh37 (hg19) VCF-style: chr9-98241369-G-C.
Other names: c.930C>G, p.Phe310Leu (NM_001083602.3); c.1125C>G, p.Phe375Leu (NM_001083603.3); c.675C>G, p.Phe225Leu (NM_001083604.3, NM_001083605.3, NM_001083606.3 and 1 more transcripts); c.1128C>G, p.Phe376Leu (NM_001354918.2); c.1128C>G (NM_000264.4); short protein forms F310L, F376L, F375L, F225L.
Identifiers: ClinVar variation 216366 (VCV000216366.16), dbSNP rs863224648, ClinGen allele CA337678.